The following is an entry in ClinVar:

NM_033380.3(COL4A5):c.2497A>G (p.Ile833Val)

Gene: COL4A5 (collagen type IV alpha 5 chain; plus strand). Cytogenetic location: Xq22.3.
Variant type: single nucleotide variant.
Coding change: c.2497A>G on transcript NM_033380.3 (MANE Select); coding-DNA position 2497, A replaced by G.
Protein change: p.Ile833Val; replaces isoleucine 833 with valine.
Molecular consequence: missense variant.
Genome position (GRCh38, 1-based): chrX:108,615,012, A>G. VCF-style: chrX-108615012-A-G. GRCh37 (hg19) VCF-style: chrX-107858242-A-G.
Other names: c.2497A>G, p.Ile833Val (NM_000495.5); short protein forms I833V.
Identifiers: ClinVar variation 3708949 (VCV003708949.2).
Genomic context (GRCh38, chrX:108,615,012, plus strand): 5'-CCTGGGCTGCCAGGAATAGGTGTTCAGGGACCACCAGGACCACCAGGGATTCCTGGGCCA[A>G]TAGGTCAACCTGGTAAGATTAGAGTAAATGTGCATTTTGTAGCACTCATAATATATACAT-3'
Protein context (NP_203699.1, residues 823-843): PPGPPGIPGP[Ile833Val]GQPGLHGIPG

ClinVar aggregate classification (germline): Uncertain significance (1 of 4 stars; one submission).

gnomAD v4.1: 30 of 1,192,734 alleles (0.0025%); highest among the groups gnomAD compares: Non-Finnish European, 0.0034%; no homozygotes.

Submission:

Labcorp Genetics (formerly Invitae), Labcorp
Classification: Uncertain significance. Last evaluated: 2024-08-11. Review status: criteria provided, single submitter. Criteria: Invitae Variant Classification Sherloc (09022015). Collection method: clinical testing. Allele origin: germline.
Comment: This sequence change replaces isoleucine, which is neutral and non-polar, with valine, which is neutral and non-polar, at codon 833 of the COL4A5 protein (p.Ile833Val). This variant is present in population databases (rs771535061, gnomAD 0.001%). This variant has not been reported in the literature in individuals affected with COL4A5-related conditions. Advanced modeling of protein sequence and biophysical properties (such as structural, functional, and spatial information, amino acid conservation, physicochemical variation, residue mobility, and thermodynamic stability) performed at Invitae indicates that this missense variant is not expected to disrupt COL4A5 protein function with a negative predictive value of 95%. In summary, the available evidence is currently insufficient to determine the role of this variant in disease. Therefore, it has been classified as a Variant of Uncertain Significance.